The following is an entry in ClinVar:

NM_015443.4(KANSL1):c.2002G>T (p.Val668Phe)

Gene: KANSL1 (KAT8 regulatory NSL complex subunit 1). Cytogenetic location: 17q21.31.
Variant type: single nucleotide variant.
Coding change: c.2002G>T on transcript NM_015443.4 (MANE Select); coding-DNA position 2002, G replaced by T.
Protein change: p.Val668Phe; replaces valine 668 with phenylalanine.
Molecular consequence: missense variant.
Genome position (GRCh38, 1-based): chr17:46,050,551, C>A on the plus strand (G>T on the coding strand, the complement: KANSL1 is on the minus strand). VCF-style: chr17-46050551-C-A. GRCh37 (hg19) VCF-style: chr17-44127917-C-A.
Other names: c.2002G>T, p.Val668Phe (NM_001193465.2, NM_001193466.2, NM_001379198.1 and 14 more transcripts); c.1900G>T, p.Val634Phe (NM_001405859.1, NM_001405860.1, NM_001405861.1 and 1 more transcripts); c.736G>T, p.Val246Phe (NM_001405884.1, NM_001405885.1, NM_001405882.1 and 1 more transcripts); short protein forms V634F, V246F, V668F.
Identifiers: ClinVar variation 3647802 (VCV003647802.2).
Genomic context (GRCh38, chr17:46,050,551, plus strand): 5'-AAGTTTCTTTCATTAGACTTTCTAGTCTGTGGTCTTTCTTACCATCTGGAAATGCTAGAA[C>A]AGGATGAACACAAGAGTCCAACTGGGAAAGACGTTCCAACAGAGGGGCTTCATAGTGAAT-3'
Protein context (NP_056258.1, residues 658-678): LSQLDSCVHP[Val668Phe]LAFPDDVPTS

ClinVar aggregate classification (germline): Uncertain significance (1 of 4 stars; one submission).

Conditions:
Koolen-de Vries syndrome (KDVS). Identifiers: Orphanet 96169, MedGen C1864871, MONDO:0012496, OMIM 610443.

Submission:

Labcorp Genetics (formerly Invitae), Labcorp
Classification: Uncertain significance for Koolen-de Vries syndrome. Last evaluated: 2024-03-27. Review status: criteria provided, single submitter. Criteria: Invitae Variant Classification Sherloc (09022015). Collection method: clinical testing. Allele origin: germline.
Comment: This sequence change replaces valine, which is neutral and non-polar, with phenylalanine, which is neutral and non-polar, at codon 668 of the KANSL1 protein (p.Val668Phe). This variant is not present in population databases (gnomAD no frequency). This variant has not been reported in the literature in individuals affected with KANSL1-related conditions. Advanced modeling of protein sequence and biophysical properties (such as structural, functional, and spatial information, amino acid conservation, physicochemical variation, residue mobility, and thermodynamic stability) performed at Invitae indicates that this missense variant is not expected to disrupt KANSL1 protein function with a negative predictive value of 80%. In summary, the available evidence is currently insufficient to determine the role of this variant in disease. Therefore, it has been classified as a Variant of Uncertain Significance.